The following is an entry in ClinVar:

NM_021098.3(CACNA1H):c.4151C>T (p.Ala1384Val)

Gene: CACNA1H (calcium voltage-gated channel subunit alpha1 H; plus strand). Cytogenetic location: 16p13.3.
Variant type: single nucleotide variant.
Coding change: c.4151C>T on transcript NM_021098.3 (MANE Select); coding-DNA position 4151, C replaced by T.
Protein change: p.Ala1384Val; replaces alanine 1384 with valine.
Molecular consequence: missense variant.
Genome position (GRCh38, 1-based): chr16:1,210,899, C>T. VCF-style: chr16-1210899-C-T. GRCh37 (hg19) VCF-style: chr16-1260899-C-T.
Other names: c.4151C>T, p.Ala1384Val (NM_001005407.2); c.4151C>T (NM_021098.2); short protein forms A1384V.
Identifiers: ClinVar variation 1378814 (VCV001378814.7), dbSNP rs772094785, ClinGen allele CA7801161.

ClinVar aggregate classification (germline): Uncertain significance. Review status: criteria provided, multiple submitters, no conflicts (2 of 4 stars). 2 submissions from 2 submitters: Uncertain significance (2). Last evaluated 2021-10-29.

Conditions:
Idiopathic generalized epilepsy. Also called: EIG; Generalised epilepsy. Identifiers: MedGen C0270850, MONDO:0005579, OMIM 600669.
Hyperaldosteronism, familial, type IV (HALD4). Also called: FH IV; ALDOSTERONISM, PRIMARY, AND HYPERTENSION. Identifiers: Orphanet 642671, MedGen C4310756, MONDO:0014875, OMIM 617027.
Inborn genetic diseases. Identifiers: MedGen C0950123, MeSH D030342.

Allele frequency attached by ClinVar (database versions not stated): TOPMed below 0.00001; ExAC 0.00001; gnomAD exomes 0.00001; gnomAD 0.00003.
gnomAD v4.1: 16 of 1,604,460 alleles (0.001%); highest among the groups gnomAD compares: Admixed American, 0.005%; no homozygotes.

Submissions (2):

Labcorp Genetics (formerly Invitae), Labcorp
Classification: Uncertain significance for Idiopathic generalized epilepsy; Hyperaldosteronism, familial, type IV. Last evaluated: 2021-10-29. Review status: criteria provided, single submitter. Criteria: Invitae Variant Classification Sherloc (09022015). Collection method: clinical testing. Allele origin: germline.
Comment: Advanced modeling of protein sequence and biophysical properties (such as structural, functional, and spatial information, amino acid conservation, physicochemical variation, residue mobility, and thermodynamic stability) performed at Invitae indicates that this missense variant is not expected to disrupt CACNA1H protein function. In summary, the available evidence is currently insufficient to determine the role of this variant in disease. Therefore, it has been classified as a Variant of Uncertain Significance. This variant has not been reported in the literature in individuals affected with CACNA1H-related conditions. The frequency data for this variant in the population databases is considered unreliable, as metrics indicate poor data quality at this position in the gnomAD database. This sequence change replaces alanine, which is neutral and non-polar, with valine, which is neutral and non-polar, at codon 1384 of the CACNA1H protein (p.Ala1384Val).

Ambry Genetics
Classification: Uncertain significance for Inborn genetic diseases. Last evaluated: 2021-08-10. Review status: criteria provided, single submitter. Criteria: Ambry Variant Classification Scheme 2023. Collection method: clinical testing. Allele origin: germline.